The following is an entry in ClinVar:

ClinVar aggregate classification (germline): Uncertain significance (1 of 4 stars; one submission).

gnomAD v4.1: 1 of 1,607,418 alleles (0.000062%); highest among the groups gnomAD compares: Non-Finnish European, 0.000085%; no homozygotes.

Submission:

Labcorp Genetics (formerly Invitae), Labcorp
Classification: Uncertain significance. Last evaluated: 2023-11-10. Review status: criteria provided, single submitter. Criteria: Invitae Variant Classification Sherloc (09022015). Collection method: clinical testing. Allele origin: germline.
Comment: This sequence change replaces histidine, which is basic and polar, with tyrosine, which is neutral and polar, at codon 283 of the GPR45 protein (p.His283Tyr). This variant is not present in population databases (gnomAD no frequency). This variant has not been reported in the literature in individuals affected with GPR45-related conditions. An algorithm developed to predict the effect of missense changes on protein structure and function (PolyPhen-2) suggests that this variant is likely to be tolerated. In summary, the available evidence is currently insufficient to determine the role of this variant in disease. Therefore, it has been classified as a Variant of Uncertain Significance.

NM_007227.3(GPR45):c.847C>T (p.His283Tyr)

Gene: GPR45 (G protein-coupled receptor 45; plus strand). Cytogenetic location: 2q12.1.
Variant type: single nucleotide variant.
Coding change: c.847C>T on transcript NM_007227.3 (MANE Select); coding-DNA position 847, C replaced by T.
Protein change: p.His283Tyr; replaces histidine 283 with tyrosine.
Molecular consequence: missense variant.
Genome position (GRCh38, 1-based): chr2:105,242,705, C>T. VCF-style: chr2-105242705-C-T. GRCh37 (hg19) VCF-style: chr2-105859162-C-T.
Other names: short protein forms H283Y.
Identifiers: ClinVar variation 2694928 (VCV002694928.3), dbSNP rs1371546648, ClinGen allele CA348101353.